The following is an entry in ClinVar:

NM_001042492.3(NF1):c.4836-2_4836del

Gene: NF1 (neurofibromin 1; plus strand). Cytogenetic location: 17q11.2.
Variant type: Deletion.
Coding change: c.4836-2_4836del on transcript NM_001042492.3 (MANE Select); the canonical splice acceptor site of the intron before coding-DNA position 4836 through coding-DNA position 4836, 3 bases deleted (AGG; older notation c.4836-2_4836delAGG).
Molecular consequence: splice acceptor variant.
Genome position (GRCh38, 1-based): chr17:31,325,818-31,325,820, AGG deleted. VCF-style (leftmost placement, unchanged base first): chr17-31325817-TAGG-T. GRCh37 (hg19) VCF-style: chr17-29652835-TAGG-T.
Other names: c.4773-2_4773del (NM_000267.4).
Identifiers: ClinVar variation 1379098 (VCV001379098.6), dbSNP rs2151537459, ClinGen allele CA2573153676.

ClinVar aggregate classification (germline): Pathogenic (1 of 4 stars; one submission).

Conditions:
Neurofibromatosis, type 1 (NF1). Also called: VON RECKLINGHAUSEN DISEASE; Peripheral type neurofibromatosis; Neurofibromatosis, type I; NEUROFIBROMATOSIS, TYPE I, SOMATIC. Identifiers: Orphanet 636, MedGen C0027831, MONDO:0018975, OMIM 162200. Disease mechanism: loss of function.

Submission:

Labcorp Genetics (formerly Invitae), Labcorp
Classification: Pathogenic for Neurofibromatosis, type 1. Last evaluated: 2020-12-09. Review status: criteria provided, single submitter. Criteria: Invitae Variant Classification Sherloc (09022015). Collection method: clinical testing. Allele origin: germline.
Comment: For these reasons, this variant has been classified as Pathogenic. Algorithms developed to predict the effect of sequence changes on RNA splicing suggest that this variant may disrupt the consensus splice site, but this prediction has not been confirmed by published transcriptional studies. Disruption of this splice site has been observed in individual(s) with NF1-related conditions (Invitae). This variant is not present in population databases (ExAC no frequency). This sequence change affects an acceptor splice site in intron 36 of the NF1 gene. It is expected to disrupt RNA splicing. Variants that disrupt the donor or acceptor splice site typically lead to a loss of protein function (PMID: 16199547), and loss-of-function variants in NF1 are known to be pathogenic (PMID: 10712197, 23913538).

Literature cited by the submitters: PubMed 16199547; PubMed 10712197; PubMed 23913538.